The following is an entry in ClinVar:

NM_144573.4(NEXN):c.1A>C (p.Met1Leu)

Gene: NEXN (nexilin F-actin binding protein; plus strand). Cytogenetic location: 1p31.1.
Variant type: single nucleotide variant.
Coding change: c.1A>C on transcript NM_144573.4 (MANE Select); coding-DNA position 1, A replaced by C.
Protein change: p.Met1Leu; changes the start codon (methionine 1).
Molecular consequence: missense variant, initiator codon variant.
Genome position (GRCh38, 1-based): chr1:77,916,107, A>C. VCF-style: chr1-77916107-A-C. GRCh37 (hg19) VCF-style: chr1-78381792-A-C.
Other names: c.1A>C, p.Met1Leu (NM_001172309.2); short protein forms M1L.
Identifiers: ClinVar variation 519128 (VCV000519128.10), dbSNP rs749167943, ClinGen allele CA918537.
Genomic context (GRCh38, chr1:77,916,107, plus strand): 5'-TTTTTCAGGTGCAAATATATACAGAGCTTCATAATCAGCCCAAGACCACATAGAGCAAAC[A>C]TGAATGATATTTCCCAAAAGGCTGAGGTAAGTCTCAAAAGTAAAAATAAAAATAAAAGAG-3'
Protein context (NP_653174.3, residues 1-11): [Met1Leu]NDISQKAEIL

ClinVar aggregate classification (germline): Uncertain significance. Review status: criteria provided, multiple submitters, no conflicts (2 of 4 stars). 3 submissions from 3 submitters: Uncertain significance (3). Last evaluated 2024-12-16.

Conditions:
Dilated cardiomyopathy 1CC (CMD1CC). Identifiers: Orphanet 154, MedGen C2751084, MONDO:0013147, OMIM 613122.
Hypertrophic cardiomyopathy 20. Identifiers: MedGen C3151267, MONDO:0013477, OMIM 613876.
Cardiovascular phenotype. Identifiers: MedGen CN230736.

Allele frequency attached by ClinVar (database versions not stated): ExAC 0.00001; gnomAD 0.00001; gnomAD exomes 0.00001 and 0.00002; TOPMed 0.00003.

Submissions (3):

Labcorp Genetics (formerly Invitae), Labcorp
Classification: Uncertain significance for Dilated cardiomyopathy 1CC; Hypertrophic cardiomyopathy 20. Last evaluated: 2024-12-16. Review status: criteria provided, single submitter. Criteria: Invitae Variant Classification Sherloc (09022015). Collection method: clinical testing. Allele origin: germline.
Comment: This sequence change affects the initiator methionine of the NEXN mRNA. The next in-frame methionine is located at codon 38. This variant is present in population databases (rs749167943, gnomAD 0.009%). This variant has not been reported in the literature in individuals affected with NEXN-related conditions. ClinVar contains an entry for this variant (Variation ID: 519128). Experimental studies and prediction algorithms are not available or were not evaluated, and the functional significance of this variant is currently unknown. In summary, the available evidence is currently insufficient to determine the role of this variant in disease. Therefore, it has been classified as a Variant of Uncertain Significance.

Blueprint Genetics
Classification: Uncertain significance. Last evaluated: 2024-10-29. Review status: criteria provided, single submitter. Criteria: ACMG Guidelines, 2015. Collection method: clinical testing. Allele origin: germline.

Ambry Genetics
Classification: Uncertain significance for Cardiovascular phenotype. Last evaluated: 2023-06-09. Review status: criteria provided, single submitter. Criteria: Ambry Variant Classification Scheme 2023. Collection method: clinical testing. Allele origin: germline.
Comment: The p.M1? variant (also known as c.1A>C), located in coding exon 1 of the NEXN gene, results from an A to C substitution at nucleotide position 1. This alters the methionine residue at the initiation codon (ATG). This amino acid position is highly conserved in available vertebrate species. Although biallelic loss of function alterations in NEXN have been associated with autosomal recessive NEXN-related cardiomyopathy, haploinsufficiency for NEXN has not been clearly established as a mechanism of disease for autosomal dominant NEXN-related cardiomyopathy. Since supporting evidence is limited at this time, the clinical significance of this alteration remains unclear.